The following is an entry in ClinVar:

NM_181507.2(HPS5):c.1088G>A (p.Arg363His)

Gene: HPS5 (HPS5 biogenesis of lysosomal organelles complex 2 subunit 2; minus strand). Cytogenetic location: 11p15.1.
Variant type: single nucleotide variant.
Coding change: c.1088G>A on transcript NM_181507.2 (MANE Select); coding-DNA position 1088, G replaced by A.
Protein change: p.Arg363His; replaces arginine 363 with histidine.
Molecular consequence: missense variant.
Genome position (GRCh38, 1-based): chr11:18,298,868, C>T on the plus strand (G>A on the coding strand, the complement: HPS5 is on the minus strand). VCF-style: chr11-18298868-C-T. GRCh37 (hg19) VCF-style: chr11-18320415-C-T.
Other names: c.746G>A, p.Arg249His (NM_007216.4, NM_181508.2); short protein forms R249H, R363H.
Identifiers: ClinVar variation 1430479 (VCV001430479.5), dbSNP rs199733783, ClinGen allele CA5910231.

ClinVar aggregate classification (germline): Uncertain significance. Review status: criteria provided, multiple submitters, no conflicts (2 of 4 stars). 2 submissions from 2 submitters: Uncertain significance (2). Last evaluated 2025-01-15.

Conditions:
Inborn genetic diseases. Identifiers: MedGen C0950123, MeSH D030342.

Allele frequency attached by ClinVar (database versions not stated): gnomAD exomes 0.00001; ExAC 0.00002; gnomAD 0.00003; TOPMed 0.00005; ESP Exome Variant Server 0.00008.

Submissions (2):

Ambry Genetics
Classification: Uncertain significance for Inborn genetic diseases. Last evaluated: 2025-01-15. Review status: criteria provided, single submitter. Criteria: Ambry Variant Classification Scheme 2023. Collection method: clinical testing. Allele origin: germline.

Labcorp Genetics (formerly Invitae), Labcorp
Classification: Uncertain significance. Last evaluated: 2025-01-13. Review status: criteria provided, single submitter. Criteria: Invitae Variant Classification Sherloc (09022015). Collection method: clinical testing. Allele origin: germline.
Comment: This sequence change replaces arginine, which is basic and polar, with histidine, which is basic and polar, at codon 363 of the HPS5 protein (p.Arg363His). This variant is present in population databases (rs199733783, gnomAD 0.003%). This variant has not been reported in the literature in individuals affected with HPS5-related conditions. ClinVar contains an entry for this variant (Variation ID: 1430479). An algorithm developed to predict the effect of missense changes on protein structure and function (PolyPhen-2) suggests that this variant¬†is likely to be tolerated. In summary, the available evidence is currently insufficient to determine the role of this variant in disease. Therefore, it has been classified as a Variant of Uncertain Significance.